The following is an entry in ClinVar:

NM_000368.5(TSC1):c.2726T>C (p.Ile909Thr)

Gene: TSC1 (TSC complex subunit 1; minus strand). Cytogenetic location: 9q34.13.
Variant type: single nucleotide variant.
Coding change: c.2726T>C on transcript NM_000368.5 (MANE Select); coding-DNA position 2726, T replaced by C.
Protein change: p.Ile909Thr; replaces isoleucine 909 with threonine.
Molecular consequence: missense variant.
Genome position (GRCh38, 1-based): chr9:132,897,510, A>G on the plus strand (T>C on the coding strand, the complement: TSC1 is on the minus strand). VCF-style: chr9-132897510-A-G. GRCh37 (hg19) VCF-style: chr9-135772897-A-G.
Other names: c.2723T>C, p.Ile908Thr (NM_001162426.2); c.2573T>C, p.Ile858Thr (NM_001162427.2); c.2363T>C, p.Ile788Thr (NM_001362177.2); short protein forms I788T, I858T, I909T, I908T.
Identifiers: ClinVar variation 958677 (VCV000958677.14), dbSNP rs1374339026, ClinGen allele CA375369332.

ClinVar aggregate classification (germline): Uncertain significance. Review status: criteria provided, multiple submitters, no conflicts (2 of 4 stars). 3 submissions from 3 submitters: Uncertain significance (3). Last evaluated 2026-01-06.

Conditions:
Isolated focal cortical dysplasia type II (FCORD2). Also called: Focal cortical dysplasia type II; CORTICAL DYSPLASIA OF TAYLOR. Identifiers: Orphanet 268994, MedGen C1846385, MONDO:0011818, OMIM 607341, HP:0032051.
Hereditary cancer-predisposing syndrome. Also called: Hereditary neoplastic syndrome; Tumor predisposition; Neoplastic Syndromes, Hereditary; Hereditary Cancer Syndrome. Identifiers: Orphanet 140162, MedGen C0027672, MeSH D009386, MONDO:0015356.
Tuberous sclerosis 1 (TSC1). Identifiers: Orphanet 805, MedGen C1854465, MONDO:0008612, OMIM 191100.

Allele frequency attached by ClinVar (database versions not stated): gnomAD exomes below 0.00001; TOPMed below 0.00001; gnomAD 0.00001.

Submissions (3):

Labcorp Genetics (formerly Invitae), Labcorp
Classification: Uncertain significance for Tuberous sclerosis 1. Last evaluated: 2026-01-06. Review status: criteria provided, single submitter. Criteria: Invitae Variant Classification Sherloc (09022015). Collection method: clinical testing. Allele origin: germline.
Comment: This sequence change replaces isoleucine, which is neutral and non-polar, with threonine, which is neutral and polar, at codon 909 of the TSC1 protein (p.Ile909Thr). This variant is not present in population databases (gnomAD no frequency). This variant has not been reported in the literature in individuals affected with TSC1-related conditions. ClinVar contains an entry for this variant (Variation ID: 958677). Invitae Evidence Modeling of protein sequence and biophysical properties (such as structural, functional, and spatial information, amino acid conservation, physicochemical variation, residue mobility, and thermodynamic stability) indicates that this missense variant is not expected to disrupt TSC1 protein function with a negative predictive value of 95%. In summary, the available evidence is currently insufficient to determine the role of this variant in disease. Therefore, it has been classified as a Variant of Uncertain Significance.

Ambry Genetics
Classification: Uncertain significance for Hereditary cancer-predisposing syndrome. Last evaluated: 2025-06-04. Review status: criteria provided, single submitter. Criteria: Ambry Variant Classification Scheme 2023. Collection method: clinical testing. Allele origin: germline.
Comment: The p.I909T variant (also known as c.2726T>C), located in coding exon 19 of the TSC1 gene, results from a T to C substitution at nucleotide position 2726. The isoleucine at codon 909 is replaced by threonine, an amino acid with similar properties. This amino acid position is poorly conserved in available vertebrate species. In addition, the in silico prediction for this alteration is inconclusive. Based on the available evidence, the clinical significance of this variant remains unclear.

Baylor Genetics
Classification: Uncertain significance for Isolated focal cortical dysplasia type II. Last evaluated: 2023-07-04. Review status: criteria provided, single submitter. Criteria: ACMG Guidelines, 2015. Collection method: clinical testing. Allele origin: unknown.